The following is an entry in ClinVar:

NM_000103.4(CYP19A1):c.448A>G (p.Lys150Glu)

Genes: PIRC66 (piwi-interacting RNA cluster 66; plus strand), MIR4713HG (MIR4713 host gene; plus strand), CYP19A1 (cytochrome P450 family 19 subfamily A member 1; minus strand). Cytogenetic location: 15q21.2.
Variant type: single nucleotide variant.
Coding change: c.448A>G on transcript NM_000103.4 (MANE Select); coding-DNA position 448, A replaced by G.
Protein change: p.Lys150Glu; replaces lysine 150 with glutamic acid.
Molecular consequence: missense variant.
Genome position (GRCh38, 1-based): chr15:51,227,782, T>C on the plus strand (A>G on the coding strand, the complement: CYP19A1 is on the minus strand). VCF-style: chr15-51227782-T-C. GRCh37 (hg19) VCF-style: chr15-51519979-T-C.
Other names: c.448A>G (NM_031226.2); c.448A>G, p.Lys150Glu (NM_001347248.1, NM_001347249.2, NM_001347250.2 and 7 more transcripts); short protein forms K150E.
Identifiers: ClinVar variation 2168212 (VCV002168212.7), dbSNP rs750596718, ClinGen allele CA7560074.

ClinVar aggregate classification (germline): Uncertain significance. Review status: criteria provided, multiple submitters, no conflicts (2 of 4 stars). 3 submissions from 3 submitters: Uncertain significance (3). Last evaluated 2025-10-14.

Allele frequency attached by ClinVar (database versions not stated): gnomAD exomes below 0.00001; ExAC 0.00001.
gnomAD v4.1: 6 of 1,480,794 alleles (0.00041%); highest among the groups gnomAD compares: Middle Eastern, 0.017%; no homozygotes.

Submissions (3):

Dasa
Classification: Uncertain significance. Last evaluated: 2025-10-14. Review status: criteria provided, single submitter. Criteria: DASA Assertion Criteria. Collection method: clinical testing. Allele origin: germline.
Comment: NM_000103.4(CYP19A1):c.448A>G (p.Lys150Glu) is a missense variant that results in the substitution of lysine with glutamic acid. This variant is rare in population databases. Computational prediction algorithms are consistent with a deleterious effect. The currently available literature and clinical evidence are not sufficient to establish a definitive association between this variant and the reported condition. Therefore, this variant is classified as a variant of uncertain significance.

Labcorp Genetics (formerly Invitae), Labcorp
Classification: Uncertain significance. Last evaluated: 2025-05-19. Review status: criteria provided, single submitter. Criteria: Invitae Variant Classification Sherloc (09022015). Collection method: clinical testing. Allele origin: germline.
Comment: This sequence change replaces lysine, which is basic and polar, with glutamic acid, which is acidic and polar, at codon 150 of the CYP19A1 protein (p.Lys150Glu). This variant is present in population databases (rs750596718, gnomAD 0.002%). This variant has not been reported in the literature in individuals affected with CYP19A1-related conditions. ClinVar contains an entry for this variant (Variation ID: 2168212). Invitae Evidence Modeling of protein sequence and biophysical properties (such as structural, functional, and spatial information, amino acid conservation, physicochemical variation, residue mobility, and thermodynamic stability) indicates that this missense variant is expected to disrupt CYP19A1 protein function with a positive predictive value of 80%. In summary, the available evidence is currently insufficient to determine the role of this variant in disease. Therefore, it has been classified as a Variant of Uncertain Significance.

GeneDx
Classification: Uncertain significance. Last evaluated: 2025-01-17. Review status: criteria provided, single submitter. Criteria: GeneDx Variant Classification Process June 2021. Collection method: clinical testing. Allele origin: germline. Affected: yes.
Comment: Not observed at significant frequency in large population cohorts (gnomAD); In silico analysis supports that this missense variant has a deleterious effect on protein structure/function; Has not been previously published as pathogenic or benign to our knowledge; In silico analysis suggests this variant may impact gene splicing. In the absence of RNA/functional studies, the actual effect of this sequence change is unknown.